The following is an entry in ClinVar:

NM_001080517.3(SETD5):c.1976C>T (p.Pro659Leu)

Gene: SETD5 (SET domain containing 5; plus strand). Cytogenetic location: 3p25.3.
Variant type: single nucleotide variant.
Coding change: c.1976C>T on transcript NM_001080517.3 (MANE Select); coding-DNA position 1976, C replaced by T.
Protein change: p.Pro659Leu; replaces proline 659 with leucine.
Molecular consequence: missense variant.
Genome position (GRCh38, 1-based): chr3:9,447,879, C>T. VCF-style: chr3-9447879-C-T. GRCh37 (hg19) VCF-style: chr3-9489563-C-T.
Other names: c.1682C>T, p.Pro561Leu (NM_001292043.2, NM_001349451.2); short protein forms P561L, P659L.
Identifiers: ClinVar variation 1718205 (VCV001718205.5), dbSNP rs773497618, ClinGen allele CA351698890.

ClinVar aggregate classification (germline): Uncertain significance (1 of 4 stars; one submission).

Submission:

Labcorp Genetics (formerly Invitae), Labcorp
Classification: Uncertain significance. Last evaluated: 2022-09-09. Review status: criteria provided, single submitter. Criteria: Invitae Variant Classification Sherloc (09022015). Collection method: clinical testing. Allele origin: germline.
Comment: This sequence change replaces proline, which is neutral and non-polar, with leucine, which is neutral and non-polar, at codon 659 of the SETD5 protein (p.Pro659Leu). This variant is not present in population databases (gnomAD no frequency). This variant has not been reported in the literature in individuals affected with SETD5-related conditions. Advanced modeling of protein sequence and biophysical properties (such as structural, functional, and spatial information, amino acid conservation, physicochemical variation, residue mobility, and thermodynamic stability) performed at Invitae indicates that this missense variant is not expected to disrupt SETD5 protein function. In summary, the available evidence is currently insufficient to determine the role of this variant in disease. Therefore, it has been classified as a Variant of Uncertain Significance.